The following is an entry in ClinVar:

NM_004320.6(ATP2A1):c.352G>C (p.Ala118Pro)

Gene: ATP2A1 (ATPase sarcoplasmic/endoplasmic reticulum Ca2+ transporting 1; plus strand). Cytogenetic location: 16p11.2.
Variant type: single nucleotide variant.
Coding change: c.352G>C on transcript NM_004320.6 (MANE Select); coding-DNA position 352, G replaced by C.
Protein change: p.Ala118Pro; replaces alanine 118 with proline.
Molecular consequence: missense variant. On other transcripts: 5 prime UTR variant (1).
Genome position (GRCh38, 1-based): chr16:28,882,478, G>C. VCF-style: chr16-28882478-G-C. GRCh37 (hg19) VCF-style: chr16-28893799-G-C.
Other names: c.-24G>C (NM_001286075.2); c.352G>C, p.Ala118Pro (NM_173201.5); short protein forms A118P.
Identifiers: ClinVar variation 2684379 (VCV002684379.1), dbSNP rs2506258953, ClinGen allele CA395401080.

ClinVar aggregate classification (germline): Uncertain significance (1 of 4 stars; one submission).

Submission:

Athena Diagnostics
Classification: Uncertain significance. Last evaluated: 2022-10-31. Review status: criteria provided, single submitter. Criteria: Athena Diagnostics Criteria. Collection method: clinical testing. Allele origin: unknown.
Comment: Available data are insufficient to determine the clinical significance of the variant at this time. This variant has not been reported in large, multi-ethnic general populations. Computational tools predict that this variant is damaging.